The following is an entry in ClinVar:

ClinVar aggregate classification (germline): Uncertain significance. Review status: criteria provided, multiple submitters, no conflicts (2 of 4 stars). 2 submissions from 2 submitters: Uncertain significance (2). Last evaluated 2025-06-02.

Conditions:
Myopathy, centronuclear, 2 (CNM2). Also called: MYOTUBULAR MYOPATHY, AUTOSOMAL RECESSIVE. Identifiers: Orphanet 169186, MedGen CN031787, MONDO:0009709, OMIM 255200.

gnomAD v4.1: 6 of 1,539,794 alleles (0.00039%); highest among the groups gnomAD compares: Middle Eastern, 0.018%; no homozygotes.

Submissions (2):

Labcorp Genetics (formerly Invitae), Labcorp
Classification: Uncertain significance for Myopathy, centronuclear, 2. Last evaluated: 2025-06-02. Review status: criteria provided, single submitter. Criteria: Invitae Variant Classification Sherloc (09022015). Collection method: clinical testing. Allele origin: germline.
Comment: This sequence change replaces proline, which is neutral and non-polar, with leucine, which is neutral and non-polar, at codon 343 of the BIN1 protein (p.Pro343Leu). This variant is not present in population databases (gnomAD no frequency). This variant has not been reported in the literature in individuals affected with BIN1-related conditions. ClinVar contains an entry for this variant (Variation ID: 3668720). An algorithm developed to predict the effect of missense changes on protein structure and function (PolyPhen-2) suggests that this variant is likely to be disruptive. In summary, the available evidence is currently insufficient to determine the role of this variant in disease. Therefore, it has been classified as a Variant of Uncertain Significance.

Blueprint Genetics
Classification: Uncertain significance. Last evaluated: 2021-01-29. Review status: criteria provided, single submitter. Criteria: ACMG Guidelines, 2015. Collection method: clinical testing. Allele origin: germline.

NM_139343.3(BIN1):c.1028C>T (p.Pro343Leu)

Gene: BIN1 (bridging integrator 1; minus strand). Cytogenetic location: 2q14.3.
Variant type: single nucleotide variant.
Coding change: c.1028C>T on transcript NM_139343.3 (MANE Select); coding-DNA position 1028, C replaced by T.
Protein change: p.Pro343Leu; replaces proline 343 with leucine.
Molecular consequence: missense variant. On other transcripts: intron variant (9).
Genome position (GRCh38, 1-based): chr2:127,057,576, G>A on the plus strand (C>T on the coding strand, the complement: BIN1 is on the minus strand). VCF-style: chr2-127057576-G-A. GRCh37 (hg19) VCF-style: chr2-127815152-G-A.
Other names: c.1028C>T, p.Pro343Leu (NM_001320640.2); c.935C>T, p.Pro312Leu (NM_001320641.2, NM_139347.3, NM_139348.3); c.947C>T, p.Pro316Leu (NM_001320642.1); c.980C>T, p.Pro327Leu (NM_139346.3); c.837+1435C>T (NM_001320634.1); c.909+1435C>T (NM_139351.3, NM_139350.3, NM_139349.3); c.954+1435C>T (NM_001320632.2, NM_004305.4); c.1002+1435C>T (NM_001320633.2, NM_139345.3, NM_139344.3); short protein forms P327L, P316L, P343L, P312L.
Identifiers: ClinVar variation 3668720 (VCV003668720.3).